The following is an entry in ClinVar:

ClinVar aggregate classification (germline): Uncertain significance (1 of 4 stars; one submission).

Allele frequency attached by ClinVar (database versions not stated): gnomAD 0.00003; gnomAD exomes 0.00004; TOPMed 0.00007; 1000 Genomes Project 30x 0.00031; 1000 Genomes Project 0.00040.
gnomAD v4.1: 53 of 1,536,228 alleles (0.0035%); highest among the groups gnomAD compares: Admixed American, 0.069%; no homozygotes.

Submission:

Labcorp Genetics (formerly Invitae), Labcorp
Classification: Uncertain significance. Last evaluated: 2024-01-12. Review status: criteria provided, single submitter. Criteria: Invitae Variant Classification Sherloc (09022015). Collection method: clinical testing. Allele origin: germline.
Comment: The FMN1 gene has multiple clinically relevant transcripts. This variant occurs in alternate transcript NM_001277314.1, and corresponds to NM_001103184.3:c.-85416C>T in the primary transcript. This sequence change replaces arginine, which is basic and polar, with tryptophan, which is neutral and slightly polar, at codon 539 of the FMN1 protein (p.Arg539Trp). This variant is present in population databases (rs187110397, gnomAD 0.1%), and has an allele count higher than expected for a pathogenic variant. This variant has not been reported in the literature in individuals affected with FMN1-related conditions. Experimental studies and prediction algorithms are not available or were not evaluated, and the functional significance of this variant is currently unknown. In summary, the available evidence is currently insufficient to determine the role of this variant in disease. Therefore, it has been classified as a Variant of Uncertain Significance.

NM_001277313.2(FMN1):c.1615C>T (p.Arg539Trp)

Gene: FMN1 (formin 1; minus strand). Cytogenetic location: 15q13.3.
Variant type: single nucleotide variant.
Coding change: c.1615C>T on transcript NM_001277313.2 (MANE Select); coding-DNA position 1615, C replaced by T.
Protein change: p.Arg539Trp; replaces arginine 539 with tryptophan.
Molecular consequence: missense variant.
Genome position (GRCh38, 1-based): chr15:33,153,300, G>A on the plus strand (C>T on the coding strand, the complement: FMN1 is on the minus strand). VCF-style: chr15-33153300-G-A. GRCh37 (hg19) VCF-style: chr15-33445501-G-A.
Other names: c.1615C>T, p.Arg539Trp (NM_001277314.2); short protein forms R539W.
Identifiers: ClinVar variation 2907530 (VCV002907530.3), dbSNP rs187110397, ClinGen allele CA7457515.
Genomic context (GRCh38, chr15:33,153,300, plus strand): 5'-TCTTTCTACAAGGAGAGTCATTAAGAGCAGCTTCCCTCTCACCAGGCAATGCAGGGAGCC[G>A]GAGGATCCTGTGATGCTGCTGAGGGCTGGGGAGCCTTGGAGACAGAGGCGAGGGAACAGG-3'
Protein context (NP_001264242.1, residues 529-549): PSPQQHHRIL[Arg539Trp]LPALPGEREA